The following is an entry in ClinVar:

NM_000628.5(IL10RB):c.889G>A (p.Val297Ile)

Genes: IFNAR2-IL10RB (IFNAR2-IL10RB readthrough; plus strand), IL10RB (interleukin 10 receptor subunit beta; plus strand). Cytogenetic location: 21q22.11.
Variant type: single nucleotide variant.
Coding change: c.889G>A on transcript NM_000628.5 (MANE Select); coding-DNA position 889, G replaced by A.
Protein change: p.Val297Ile; replaces valine 297 with isoleucine.
Molecular consequence: missense variant.
Genome position (GRCh38, 1-based): chr21:33,296,268, G>A. VCF-style: chr21-33296268-G-A. GRCh37 (hg19) VCF-style: chr21-34668573-G-A.
Other names: short protein forms V297I.
Identifiers: ClinVar variation 644924 (VCV000644924.4), dbSNP rs911014085, ClinGen allele CA320107694.

ClinVar aggregate classification (germline): Uncertain significance (1 of 4 stars; one submission).

Conditions:
Inflammatory bowel disease 25. Also called: Inflammatory bowel disease 25, early onset, autosomal recessive. Identifiers: Orphanet 238569, MedGen C2675508, MONDO:0012941, OMIM 612567.

Allele frequency attached by ClinVar (database versions not stated): gnomAD exomes below 0.00001; gnomAD 0.00001; TOPMed 0.00001.
gnomAD v4.1: 9 of 1,614,082 alleles (0.00056%); highest among the groups gnomAD compares: Non-Finnish European, 0.00034%; 1 homozygote.

Submission:

Labcorp Genetics (formerly Invitae), Labcorp
Classification: Uncertain significance for Inflammatory bowel disease 25. Last evaluated: 2021-11-30. Review status: criteria provided, single submitter. Criteria: Invitae Variant Classification Sherloc (09022015). Collection method: clinical testing. Allele origin: germline.
Comment: This sequence change replaces valine, which is neutral and non-polar, with isoleucine, which is neutral and non-polar, at codon 297 of the IL10RB protein (p.Val297Ile). This variant is not present in population databases (gnomAD no frequency). This variant has not been reported in the literature in individuals affected with IL10RB-related conditions. ClinVar contains an entry for this variant (Variation ID: 644924). Algorithms developed to predict the effect of missense changes on protein structure and function output the following: SIFT: "Tolerated"; PolyPhen-2: "Benign"; Align-GVGD: "Class C0". The isoleucine amino acid residue is found in multiple mammalian species, which suggests that this missense change does not adversely affect protein function. In summary, the available evidence is currently insufficient to determine the role of this variant in disease. Therefore, it has been classified as a Variant of Uncertain Significance.